The following is an entry in ClinVar:

ClinVar aggregate classification (germline): Uncertain significance. Review status: criteria provided, multiple submitters, no conflicts (2 of 4 stars). 2 submissions from 2 submitters: Uncertain significance (2). Last evaluated 2025-08-13.

Conditions:
Lymphatic malformation 9. Identifiers: MedGen C5543365, MONDO:0030270, OMIM 619319.

Allele frequency attached by ClinVar (database versions not stated): ExAC 0.00002; gnomAD exomes 0.00002; gnomAD 0.00005; TOPMed 0.00009.
gnomAD v4.1: 32 of 1,610,024 alleles (0.002%); highest among the groups gnomAD compares: Admixed American, 0.027%; no homozygotes.

Submissions (2):

Ambry Genetics
Classification: Uncertain significance. Last evaluated: 2025-08-13. Review status: criteria provided, single submitter. Criteria: Ambry Variant Classification Scheme 2023. Collection method: clinical testing. Allele origin: germline.

Clinical Genomics Laboratory, Washington University in St. Louis
Classification: Uncertain significance for Lymphatic malformation 9. Last evaluated: 2024-10-21. Review status: criteria provided, single submitter. Criteria: ACMG Guidelines, 2015. Collection method: clinical testing. Allele origin: germline.
Comment: A CELSR1 c.6514G>A (p.Gly2172Ser) variant was identified at a near heterozygous allelic fraction of 49.74%, a frequency that may be consistent with germline origin. This variant, to our knowledge, has not been reported in the medical literature. It is observed on 32/1,610,024 alleles in the general population (gnomAD v.4.1.0). Computational predictors are uncertain as to the impact of this variant on CELSR1 function. This variant has been reported in the ClinVar database as a variant of uncertain significance by one submitter (ClinVar Variation ID: 2569761). Due to limited information, and based on ACMG/AMP guidelines for variant interpretation (Richards S et al., PMID: 25741868), the clinical significance of this variant is uncertain at this time.

NM_001378328.1(CELSR1):c.6514G>A (p.Gly2172Ser)

Gene: CELSR1 (cadherin EGF LAG seven-pass G-type receptor 1; minus strand). Cytogenetic location: 22q13.31.
Variant type: single nucleotide variant.
Coding change: c.6514G>A on transcript NM_001378328.1 (MANE Select); coding-DNA position 6514, G replaced by A.
Protein change: p.Gly2172Ser; replaces glycine 2172 with serine.
Molecular consequence: missense variant.
Genome position (GRCh38, 1-based): chr22:46,389,331, C>T on the plus strand (G>A on the coding strand, the complement: CELSR1 is on the minus strand). VCF-style: chr22-46389331-C-T. GRCh37 (hg19) VCF-style: chr22-46785228-C-T.
Other names: c.6514G>A, p.Gly2172Ser (NM_014246.4); short protein forms G2172S.
Identifiers: ClinVar variation 2569761 (VCV002569761.4), dbSNP rs769095954, ClinGen allele CA10293762.
Genomic context (GRCh38, chr22:46,389,331, plus strand): 5'-GTGGCGGCCACCCGCCTACCTCGTGAAAGTCGGCGTCCTGCGTGGCTGCCAGGTCGAAGC[C>T]CTGCTGCCAGCTCTCGTGCTGAAGGACGTGGCCCAGCAGCTGGTAGGCCGTGCGCACGTC-3'
Protein context (NP_001365257.1, residues 2162-2182): HVLQHESWQQ[Gly2172Ser]FDLAATQDAD